The following is an entry in ClinVar:

NM_000038.6(APC):c.1035A>G (p.Ile345Met)

Gene: APC (APC regulator of Wnt signaling pathway; plus strand). Cytogenetic location: 5q22.2.
Variant type: single nucleotide variant.
Coding change: c.1035A>G on transcript NM_000038.6 (MANE Select); coding-DNA position 1035, A replaced by G.
Protein change: p.Ile345Met; replaces isoleucine 345 with methionine.
Molecular consequence: missense variant. On other transcripts: intron variant (4).
Genome position (GRCh38, 1-based): chr5:112,819,067, A>G. VCF-style: chr5-112819067-A-G. GRCh37 (hg19) VCF-style: chr5-112154764-A-G.
Other names: c.1035A>G, p.Ile345Met (NM_001127510.3, NM_001354895.2, NM_001354896.2); c.981A>G, p.Ile327Met (NM_001127511.3); c.1065A>G, p.Ile355Met (NM_001354897.2); c.960A>G, p.Ile320Met (NM_001354898.2); c.951A>G, p.Ile317Met (NM_001354899.2); c.858A>G, p.Ile286Met (NM_001354900.2, NM_001354901.2); c.186A>G, p.Ile62Met (NM_001354906.2); c.964-202A>G (NM_001354902.2); and 3 more; short protein forms I327M, I355M, I62M, I286M, I317M, I320M, I345M.
Identifiers: ClinVar variation 919181 (VCV000919181.8), dbSNP rs1057521594, ClinGen allele CA16023578.

ClinVar aggregate classification (germline): Uncertain significance. Review status: criteria provided, multiple submitters, no conflicts (2 of 4 stars). 3 submissions from 3 submitters: Uncertain significance (3). Last evaluated 2026-08-24.

Conditions:
Familial adenomatous polyposis 1 (FAP1). Also called: FAMILIAL ADENOMATOUS POLYPOSIS 1, ATTENUATED; POLYPOSIS, ADENOMATOUS INTESTINAL. Identifiers: MedGen C2713442, MONDO:0021056, OMIM 175100. Disease mechanism: loss of function.
Hereditary cancer-predisposing syndrome. Also called: Neoplastic Syndromes, Hereditary; Hereditary Cancer Syndrome; Tumor predisposition; Hereditary neoplastic syndrome. Identifiers: Orphanet 140162, MedGen C0027672, MeSH D009386, MONDO:0015356.

gnomAD v4.1: 1 of 1,614,152 alleles (0.000062%); highest among the groups gnomAD compares: Non-Finnish European, 0.000085%; no homozygotes.

Submissions (3):

Ambry Genetics
Classification: Uncertain significance for Hereditary cancer-predisposing syndrome. Last evaluated: 2026-08-24. Review status: criteria provided, single submitter. Criteria: Ambry Variant Classification Scheme 2023. Collection method: clinical testing. Allele origin: germline.
Comment: The p.I345M variant (also known as c.1035A>G), located in coding exon 9 of the APC gene, results from an A to G substitution at nucleotide position 1035. The isoleucine at codon 345 is replaced by methionine, an amino acid with highly similar properties. This variant was identified in a patient reported to have familial adenomatous polyposis (Schwarzov&aacute; L et al. Fam Cancer, 2013 Mar;12:35-42). This amino acid position is highly conserved in available vertebrate species. In addition, in silico predictors for this gene do not accurately predict pathogenicity. Missense variants in APC are not a common cause of disease (Spier I et al. Genet Med. 2024 Feb;26(2):100992). Based on the available evidence, the clinical significance of this variant remains unclear.

Labcorp Genetics (formerly Invitae), Labcorp
Classification: Uncertain significance for Familial adenomatous polyposis 1. Last evaluated: 2022-08-08. Review status: criteria provided, single submitter. Criteria: Invitae Variant Classification Sherloc (09022015). Collection method: clinical testing. Allele origin: germline.
Comment: This variant is not present in population databases (gnomAD no frequency). This sequence change replaces isoleucine, which is neutral and non-polar, with methionine, which is neutral and non-polar, at codon 345 of the APC protein (p.Ile345Met). In summary, the available evidence is currently insufficient to determine the role of this variant in disease. Therefore, it has been classified as a Variant of Uncertain Significance. Algorithms developed to predict the effect of missense changes on protein structure and function are either unavailable or do not agree on the potential impact of this missense change (SIFT: "Deleterious"; PolyPhen-2: "Benign"; Align-GVGD: "Class C0"). ClinVar contains an entry for this variant (Variation ID: 919181). This missense change has been observed in individual(s) with familial adenomatous polyposis (PMID: 22987206).

Color Diagnostics, LLC DBA Color Health
Classification: Uncertain significance for Hereditary cancer-predisposing syndrome. Last evaluated: 2019-04-03. Review status: criteria provided, single submitter. Criteria: ACMG Guidelines, 2015. Collection method: clinical testing. Allele origin: germline.

Literature cited by the submitters: PubMed 22987206 (cited by Ambry Genetics and Labcorp Genetics (formerly Invitae), Labcorp).